The following is an entry in ClinVar:

ClinVar aggregate classification (germline): Pathogenic (1 of 4 stars; one submission).

Conditions:
Intellectual developmental disorder, autosomal recessive 7. Also called: Intellectual disability, autosomal recessive 7. Identifiers: Orphanet 88616, MedGen C1970197, MONDO:0012615, OMIM 611093.

Submission:

Labcorp Genetics (formerly Invitae), Labcorp
Classification: Pathogenic for Intellectual developmental disorder, autosomal recessive 7. Last evaluated: 2023-09-29. Review status: criteria provided, single submitter. Criteria: Invitae Variant Classification Sherloc (09022015). Collection method: clinical testing. Allele origin: unknown.
Comment: A gross deletion of the genomic region encompassing the full coding sequence of the TUSC3 gene has been identified. Loss-of-function variants in TUSC3 are known to be pathogenic (PMID: 18455129, 25626710). The boundaries of this event are unknown as they extend beyond the assayed region for this gene and therefore may encompass additional genes. A similar copy number variant has been observed in individual(s) with intellectual disability (PMID: 23806237). For these reasons, this variant has been classified as Pathogenic.

Literature cited by the submitters: PubMed 18455129; PubMed 25626710; PubMed 23806237.

NC_000008.10:g.(?_15397940)_(15615318_?)del

Gene: TUSC3 (tumor suppressor candidate 3; plus strand). Cytogenetic location: 8p22.
Variant type: Deletion.
Identifiers: ClinVar variation 3245514 (VCV003245514.1).